The following is an entry in ClinVar:

ClinVar aggregate classification (germline): Uncertain significance (1 of 4 stars; one submission).

Conditions:
Developmental and epileptic encephalopathy 94 (DEE94). Also called: Epileptic encephalopathy, childhood-onset; CHD2-Related Neurodevelopmental Disorders. Identifiers: Orphanet 1942, Orphanet 2382, MedGen C3809278, MONDO:0014150, OMIM 615369.

Allele frequency attached by ClinVar (database versions not stated): gnomAD 0.00001; gnomAD exomes 0.00001; TOPMed 0.00002.
gnomAD v4.1: 7 of 1,610,450 alleles (0.00043%); highest among the groups gnomAD compares: African/African-American, 0.004%; no homozygotes.

Submission:

Labcorp Genetics (formerly Invitae), Labcorp
Classification: Uncertain significance for Developmental and epileptic encephalopathy 94. Last evaluated: 2024-07-01. Review status: criteria provided, single submitter. Criteria: Invitae Variant Classification Sherloc (09022015). Collection method: clinical testing. Allele origin: germline.
Comment: This sequence change replaces asparagine, which is neutral and polar, with serine, which is neutral and polar, at codon 1824 of the CHD2 protein (p.Asn1824Ser). This variant is present in population databases (no rsID available, gnomAD 0.01%). This variant has not been reported in the literature in individuals affected with CHD2-related conditions. Advanced modeling of protein sequence and biophysical properties (such as structural, functional, and spatial information, amino acid conservation, physicochemical variation, residue mobility, and thermodynamic stability) performed at Invitae indicates that this missense variant is not expected to disrupt CHD2 protein function with a negative predictive value of 95%. In summary, the available evidence is currently insufficient to determine the role of this variant in disease. Therefore, it has been classified as a Variant of Uncertain Significance.

NM_001271.4(CHD2):c.5471A>G (p.Asn1824Ser)

Gene: CHD2 (chromodomain helicase DNA binding protein 2; plus strand). Cytogenetic location: 15q26.1.
Variant type: single nucleotide variant.
Coding change: c.5471A>G on transcript NM_001271.4 (MANE Select); coding-DNA position 5471, A replaced by G.
Protein change: p.Asn1824Ser; replaces asparagine 1824 with serine.
Molecular consequence: missense variant.
Genome position (GRCh38, 1-based): chr15:93,024,689, A>G. VCF-style: chr15-93024689-A-G. GRCh37 (hg19) VCF-style: chr15-93567919-A-G.
Other names: short protein forms N1824S.
Identifiers: ClinVar variation 2986354 (VCV002986354.3), dbSNP rs1237418210, ClinGen allele CA393908866.